The following is an entry in ClinVar:

NM_006306.4(SMC1A):c.3056_3082delinsTGCAG (p.Arg1019fs)

Gene: SMC1A (structural maintenance of chromosomes 1A; minus strand). Cytogenetic location: Xp11.22.
Variant type: Indel.
Coding change: c.3056_3082delinsTGCAG on transcript NM_006306.4 (MANE Select); coding-DNA positions 3056 to 3082, GTATTGCCGCCCCCAACATGAAGGCCA replaced by TGCAG.
Protein change: p.Arg1019fs; shifts the reading frame from arginine 1019.
Molecular consequence: frameshift variant.
Genome position (GRCh38, 1-based): chrX:53,383,145-53,383,171, TGGCCTTCATGTTGGGGGCGGCAATAC replaced by CTGCA on the plus strand (GTATTGCCGCCCCCAACATGAAGGCCA replaced by TGCAG on the coding strand, the reverse complement: SMC1A is on the minus strand). VCF-style: chrX-53383145-TGGCCTTCATGTTGGGGGCGGCAATAC-CTGCA. GRCh37 (hg19) VCF-style: chrX-53410066-TGGCCTTCATGTTGGGGGCGGCAATAC-CTGCA.
Other names: c.2990_3016delinsTGCAG, p.Arg997fs (NM_001281463.1); short protein forms R997fs, R1019fs.
Identifiers: ClinVar variation 532571 (VCV000532571.7), dbSNP rs1556886127, ClinGen allele CA658799759.
Genomic context (GRCh38, chrX:53,383,145, plus strand): 5'-GGTAAATCTTACCATCTGAGGTCTCCTGGAACTTGTCTCGGACACTTTCCAGCTTTTCCA[TGGCCTTCATGTTGGGGGCGGCAATAC>CTGCA]GCTGAAGCACACTCTGCTGCTCATTCAGCTTCTGCTGCAGTGTGTTCATCTCTTGCTTGA-3'

ClinVar aggregate classification (germline): Likely pathogenic (1 of 4 stars; one submission).

Conditions:
Congenital muscular hypertrophy-cerebral syndrome (CDLS2). Also called: SMC1A-Related Cornelia de Lange Syndrome; Cornelia de Lange syndrome 2. Identifiers: Orphanet 199, MedGen C1802395, MONDO:0010370, OMIM 300590.

Submission:

Labcorp Genetics (formerly Invitae), Labcorp
Classification: Likely pathogenic for Congenital muscular hypertrophy-cerebral syndrome. Last evaluated: 2017-12-13. Review status: criteria provided, single submitter. Criteria: Invitae Variant Classification Sherloc (09022015). Collection method: clinical testing. Allele origin: germline.
Comment: In summary, the currently available evidence indicates that the variant is pathogenic, but additional data are needed to prove that conclusively. Therefore, this variant has been classified as Likely Pathogenic. A different variant present in the disrupted region (p.Tyr1085Cys) has been determined to be likely pathogenic (PMID: 17221863, Invitae). This suggests that the tyrosine residue is critical for SMC1A protein function and that other variants disrupting this position may also be pathogenic. This variant has not been reported in the literature in individuals with SMC1A-related disease. This variant is not present in population databases (ExAC no frequency). This sequence change results in a premature translational stop signal in the SMC1A gene (p.Arg1019Leufs*186). While this is not anticipated to result in nonsense mediated decay, it is expected to disrupt 185 amino acids and delete the last 30 amino acids of the SMC1A protein.

Literature cited by the submitters: PubMed 17221863 (cited by Labcorp Genetics (formerly Invitae), Labcorp).